The following is an entry in ClinVar:

NM_001083603.3(PTCH1):c.133G>A (p.Glu45Lys)

Gene: PTCH1 (patched 1; minus strand). Cytogenetic location: 9q22.32.
Variant type: single nucleotide variant.
Coding change: c.133G>A on transcript NM_001083603.3 (MANE Plus Clinical); coding-DNA position 133, G replaced by A.
Protein change: p.Glu45Lys; replaces glutamic acid 45 with lysine.
Molecular consequence: missense variant. On other transcripts: 5 prime UTR variant (2).
Genome position (GRCh38, 1-based): chr9:95,516,688, C>T on the plus strand (G>A on the coding strand, the complement: PTCH1 is on the minus strand). VCF-style: chr9-95516688-C-T. GRCh37 (hg19) VCF-style: chr9-98278970-C-T.
Other names: c.-217G>A (NM_001083602.3, NM_001354919.2); short protein forms E45K.
Identifiers: ClinVar variation 5002924 (VCV005002924.1).

ClinVar aggregate classification (germline): Uncertain significance (1 of 4 stars; one submission).

Conditions:
Holoprosencephaly 7 (HPE7). Identifiers: Orphanet 2162, MedGen C1835820, MONDO:0012562, OMIM 610828.

gnomAD v4.1: 1 of 1,612,754 alleles (0.000062%); highest among the groups gnomAD compares: Non-Finnish European, 0.000085%; no homozygotes.

Submission:

OLLIN Analises Genomicas, OLLIN
Classification: Uncertain significance for Holoprosencephaly 7. Last evaluated: 2026-08-06. Review status: criteria provided, single submitter. Criteria: ACMG Guidelines 2015 PMID 25741868. Collection method: clinical testing. Allele origin: germline.
Comment: This missense variant, located in exon 1 (of 24), has been observed in gnomAD with an allele frequency of 0.000062%, but has not been reported in ClinVar or identified in the literature. In silico analysis predicts that this variant has a tolerated effect. According to the currently available evidence, this variant has been classified as uncertain significance (PM2_P, BP4).